The following is an entry in ClinVar:

NM_025215.6(PUS1):c.1046A>G (p.Asn349Ser)

Gene: PUS1 (pseudouridine synthase 1; plus strand). Cytogenetic location: 12q24.33.
Variant type: single nucleotide variant.
Coding change: c.1046A>G on transcript NM_025215.6 (MANE Select); coding-DNA position 1046, A replaced by G.
Protein change: p.Asn349Ser; replaces asparagine 349 with serine.
Molecular consequence: missense variant.
Genome position (GRCh38, 1-based): chr12:131,941,793, A>G. VCF-style: chr12-131941793-A-G. GRCh37 (hg19) VCF-style: chr12-132426338-A-G.
Other names: c.962A>G, p.Asn321Ser (NM_001002019.3, NM_001002020.3); short protein forms N321S, N349S.
Identifiers: ClinVar variation 1983093 (VCV001983093.1), dbSNP rs200116696, ClinGen allele CA246187503.
Genomic context (GRCh38, chr12:131,941,793, plus strand): 5'-CCGGACTCGGCCTGGTCCTGGAGAGGGTGCACTTCGAGAAGTACAACCAGCGCTTTGGCA[A>G]CGATGGGCTGCATGAGCCGCTGGACTGGGCGCAGGAGGAAGGAAAGGTCGCAGCCTTCAA-3'
Protein context (NP_079491.2, residues 339-359): HFEKYNQRFG[Asn349Ser]DGLHEPLDWA

ClinVar aggregate classification (germline): Uncertain significance (1 of 4 stars; one submission).

Submission:

Labcorp Genetics (formerly Invitae), Labcorp
Classification: Uncertain significance. Last evaluated: 2022-01-21. Review status: criteria provided, single submitter. Criteria: Invitae Variant Classification Sherloc (09022015). Collection method: clinical testing. Allele origin: germline.
Comment: This sequence change replaces asparagine, which is neutral and polar, with serine, which is neutral and polar, at codon 349 of the PUS1 protein (p.Asn349Ser). This variant is not present in population databases (gnomAD no frequency). This variant has not been reported in the literature in individuals affected with PUS1-related conditions. Algorithms developed to predict the effect of missense changes on protein structure and function output the following: SIFT: "Tolerated"; PolyPhen-2: "Benign"; Align-GVGD: "Class C0". The serine amino acid residue is found in multiple mammalian species, which suggests that this missense change does not adversely affect protein function. In summary, the available evidence is currently insufficient to determine the role of this variant in disease. Therefore, it has been classified as a Variant of Uncertain Significance.